The following is an entry in ClinVar:

NM_020975.6(RET):c.2608-9dup

Gene: RET (ret proto-oncogene; plus strand). Cytogenetic location: 10q11.21.
Variant type: Duplication.
Coding change: c.2608-9dup on transcript NM_020975.6 (MANE Select); 9 bases into the intron before coding-DNA position 2608, one base duplicated (T; older notation c.2608-9dupT).
Molecular consequence: intron variant.
Genome position (GRCh38, 1-based): chr10:43,120,072, T duplicated; the last of 5 consecutive T bases (chr10:43,120,068-43,120,072); duplicating any one gives the same sequence. VCF-style (leftmost placement, unchanged base first): chr10-43120067-A-AT. GRCh37 (hg19) VCF-style: chr10-43615515-A-AT.
Other names: c.2608-9dup (NM_020630.7, NM_001406743.1, NM_001406744.1 and 2 more transcripts); c.2473-9dup (NM_001406765.1, NM_001406763.1); c.2212-9dup (NM_001406772.1, NM_001406769.1); c.2170-9dup (NM_001406773.1, NM_001406771.1); c.1711-9dup (NM_001406782.1, NM_001406780.1, NM_001406779.1 and 1 more transcripts); c.1576-9dup (NM_001406787.1); c.1591-9dup (NM_001406785.1); c.2479-9dup (NM_001406764.1, NM_001406762.1, NM_001406761.1); and 10 more.
Identifiers: ClinVar variation 3071423 (VCV003071423.2), dbSNP rs2538575219, ClinGen allele CA2825001670.

ClinVar aggregate classification (germline): Likely benign. Review status: criteria provided, multiple submitters, no conflicts (2 of 4 stars). 2 submissions from 2 submitters: Likely benign (2). Last evaluated 2025-02-27.

Conditions:
Multiple endocrine neoplasia type 2A. Also called: Multiple Endocrine Neoplasia Type 2A (MEN2A); MULTIPLE ENDOCRINE NEOPLASIA, TYPE IIA; PTC SYNDROME; SIPPLE SYNDROME; MEN 2A; MEN-2A syndrome. Identifiers: Orphanet 247698, Orphanet 653, MedGen C0025268, MeSH D018813, MONDO:0008234, OMIM 171400.
Multiple endocrine neoplasia, type 2 (MEN2). Identifiers: Orphanet 653, MedGen C4048306, MONDO:0019003. Disease mechanism: gain of function.

Submissions (2):

Myriad Genetics, Inc.
Classification: Likely benign for Multiple endocrine neoplasia type 2A. Last evaluated: 2025-02-27. Review status: criteria provided, single submitter. Criteria: Myriad Autosomal Dominant, Autosomal Recessive and X-Linked Classification Criteria (2023). Collection method: clinical testing. Allele origin: unknown.
Comment: This variant is considered likely benign. This variant is intronic and is not expected to impact mRNA splicing.

All of Us Research Program, National Institutes of Health
Classification: Likely benign for Multiple endocrine neoplasia, type 2. Last evaluated: 2023-05-30. Review status: criteria provided, single submitter. Criteria: ACMG Guidelines, 2015. Collection method: clinical testing. Allele origin: germline. Inheritance: Autosomal dominant inheritance. Observed: 1 variant allele, 1 heterozygote.
Comment: This study involves interpretation of variants in research participants for the purpose of population health screening. Participant phenotype was not available at the time of variant classification. Additional details can be found in publication PMID: 35346344, PMCID: PMC8962531